The following is an entry in ClinVar:

ClinVar aggregate classification (germline): Likely benign. Review status: criteria provided, multiple submitters, no conflicts (2 of 4 stars). 3 submissions from 3 submitters: Likely benign (3). Last evaluated 2024-06-19.

Conditions:
Familial cancer of breast. Also called: Hereditary breast cancer; BREAST CANCER, FAMILIAL; hereditary breast carcinoma. Identifiers: Orphanet 227535, MedGen C0346153, MONDO:0016419, OMIM 114480. Disease mechanism: loss of function.
Ataxia-telangiectasia syndrome (AT). Also called: LOUIS-BAR SYNDROME; Cerebello-oculocutaneous telangiectasia; Immunodeficiency with ataxia telangiectasia; Ataxia-telangiectasia, complementation group D; AT, COMPLEMENTATION GROUP C; Ataxia-telangiectasia, complementation group E. Identifiers: Orphanet 100, MedGen C0004135, MONDO:0008840, OMIM 208900.

Submissions (3):

Myriad Genetics, Inc.
Classification: Likely benign for Familial cancer of breast. Last evaluated: 2024-06-19. Review status: criteria provided, single submitter. Criteria: Myriad Autosomal Dominant, Autosomal Recessive and X-Linked Classification Criteria (2023). Collection method: clinical testing. Allele origin: unknown.
Comment: This variant is considered likely benign. This variant is intronic and is not expected to impact mRNA splicing.

Labcorp Genetics (formerly Invitae), Labcorp
Classification: Likely benign for Ataxia-telangiectasia syndrome. Last evaluated: 2023-04-20. Review status: criteria provided, single submitter. Criteria: Invitae Variant Classification Sherloc (09022015). Collection method: clinical testing. Allele origin: germline.

GeneDx
Classification: Likely benign. Last evaluated: 2017-01-04. Review status: criteria provided, single submitter. Criteria: GeneDx Variant Classification (06012015). Collection method: clinical testing. Allele origin: germline. Affected: yes.
Comment: This variant is considered likely benign or benign based on one or more of the following criteria: it is a conservative change, it occurs at a poorly conserved position in the protein, it is predicted to be benign by multiple in silico algorithms, and/or has population frequency not consistent with disease.

NM_000051.4(ATM):c.8268+7A>G

Genes: ATM (ATM serine/threonine kinase; plus strand), C11orf65 (chromosome 11 open reading frame 65; minus strand). Cytogenetic location: 11q22.3.
Variant type: single nucleotide variant.
Coding change: c.8268+7A>G on transcript NM_000051.4 (MANE Select); 7 bases into the intron after coding-DNA position 8268, A replaced by G.
Molecular consequence: intron variant.
Genome position (GRCh38, 1-based): chr11:108,335,968, A>G. VCF-style: chr11-108335968-A-G. GRCh37 (hg19) VCF-style: chr11-108206695-A-G.
Other names: c.8268+7A>G (NM_001351834.2); c.641-26897T>C (NM_001330368.2); c.695-676T>C (NM_001351110.2).
Identifiers: ClinVar variation 392621 (VCV000392621.11), dbSNP rs1057524565, ClinGen allele CA16606126.